The following is an entry in ClinVar:

ClinVar aggregate classification (germline): Uncertain significance (1 of 4 stars; one submission).

Conditions:
Luscan-Lumish syndrome. Identifiers: Orphanet 597738, MedGen C4085873, MONDO:0014791, OMIM 616831.

Allele frequency attached by ClinVar (database versions not stated): gnomAD exomes below 0.00001.
gnomAD v4.1: 1 of 1,614,144 alleles (0.000062%); highest among the groups gnomAD compares: Admixed American, 0.0017%; no homozygotes.

Submission:

Labcorp Genetics (formerly Invitae), Labcorp
Classification: Uncertain significance for Luscan-Lumish syndrome. Last evaluated: 2018-04-26. Review status: criteria provided, single submitter. Criteria: Invitae Variant Classification Sherloc (09022015). Collection method: clinical testing. Allele origin: germline.
Comment: This sequence change replaces glutamic acid with glycine at codon 965 of the SETD2 protein (p.Glu965Gly). The glutamic acid residue is moderately conserved and there is a moderate physicochemical difference between glutamic acid and glycine. This variant is not present in population databases (ExAC no frequency). This variant has not been reported in the literature in individuals with SETD2-related disease. Algorithms developed to predict the effect of missense changes on protein structure and function do not agree on the potential impact of this missense change (SIFT: "Tolerated"; PolyPhen-2: "Possibly Damaging"; Align-GVGD: "Class C0"). In summary, the available evidence is currently insufficient to determine the role of this variant in disease. Therefore, it has been classified as a Variant of Uncertain Significance.

NM_014159.7(SETD2):c.2894A>G (p.Glu965Gly)

Gene: SETD2 (SET domain containing 2, histone lysine methyltransferase; minus strand). Cytogenetic location: 3p21.31.
Variant type: single nucleotide variant.
Coding change: c.2894A>G on transcript NM_014159.7 (MANE Select); coding-DNA position 2894, A replaced by G.
Protein change: p.Glu965Gly; replaces glutamic acid 965 with glycine.
Molecular consequence: missense variant. On other transcripts: non-coding transcript variant (1).
Genome position (GRCh38, 1-based): chr3:47,121,742, T>C on the plus strand (A>G on the coding strand, the complement: SETD2 is on the minus strand). VCF-style: chr3-47121742-T-C. GRCh37 (hg19) VCF-style: chr3-47163232-T-C.
Other names: c.2762A>G, p.Glu921Gly (NM_001349370.3); short protein forms E965G, E921G.
Identifiers: ClinVar variation 582921 (VCV000582921.5), dbSNP rs781662505, ClinGen allele CA352524642.